The following is an entry in ClinVar:

ClinVar aggregate classification (germline): Uncertain significance. Review status: criteria provided, multiple submitters, no conflicts (2 of 4 stars). 2 submissions from 2 submitters: Uncertain significance (2). Last evaluated 2024-10-13.

Conditions:
Hereditary nonpolyposis colorectal neoplasms. Identifiers: MedGen C0009405, MeSH D003123.
Hereditary cancer-predisposing syndrome. Also called: Tumor predisposition; Hereditary neoplastic syndrome; Neoplastic Syndromes, Hereditary; Hereditary Cancer Syndrome. Identifiers: Orphanet 140162, MedGen C0027672, MeSH D009386, MONDO:0015356.

Submissions (2):

Labcorp Genetics (formerly Invitae), Labcorp
Classification: Uncertain significance for Hereditary nonpolyposis colorectal neoplasms. Last evaluated: 2024-10-13. Review status: criteria provided, single submitter. Criteria: Invitae Variant Classification Sherloc (09022015). Collection method: clinical testing. Allele origin: germline.
Comment: This sequence change replaces cysteine, which is neutral and slightly polar, with serine, which is neutral and polar, at codon 1158 of the MSH6 protein (p.Cys1158Ser). This variant is not present in population databases (gnomAD no frequency). This variant has not been reported in the literature in individuals affected with MSH6-related conditions. ClinVar contains an entry for this variant (Variation ID: 1495404). Invitae Evidence Modeling of protein sequence and biophysical properties (such as structural, functional, and spatial information, amino acid conservation, physicochemical variation, residue mobility, and thermodynamic stability) indicates that this missense variant is not expected to disrupt MSH6 protein function with a negative predictive value of 95%. In summary, the available evidence is currently insufficient to determine the role of this variant in disease. Therefore, it has been classified as a Variant of Uncertain Significance.

Ambry Genetics
Classification: Uncertain significance for Hereditary cancer-predisposing syndrome. Last evaluated: 2024-04-28. Review status: criteria provided, single submitter. Criteria: Ambry Variant Classification Scheme 2023. Collection method: clinical testing. Allele origin: germline.
Comment: The p.C1158S variant (also known as c.3472T>A), located in coding exon 6 of the MSH6 gene, results from a T to A substitution at nucleotide position 3472. The cysteine at codon 1158 is replaced by serine, an amino acid with dissimilar properties. This amino acid position is conserved. In addition, this alteration is predicted to be deleterious by in silico analysis. Based on the available evidence, the clinical significance of this variant remains unclear.

NM_000179.3(MSH6):c.3472T>A (p.Cys1158Ser)

Gene: MSH6 (mutS homolog 6; plus strand). Cytogenetic location: 2p16.3.
Variant type: single nucleotide variant.
Coding change: c.3472T>A on transcript NM_000179.3 (MANE Select); coding-DNA position 3472, T replaced by A.
Protein change: p.Cys1158Ser; replaces cysteine 1158 with serine.
Molecular consequence: missense variant.
Genome position (GRCh38, 1-based): chr2:47,804,943, T>A. VCF-style: chr2-47804943-T-A. GRCh37 (hg19) VCF-style: chr2-48032082-T-A.
Other names: c.3082T>A, p.Cys1028Ser (NM_001281492.2); c.2566T>A, p.Cys856Ser (NM_001281493.2, NM_001281494.2); c.3472T>A (NM_000179.2); short protein forms C1158S, C856S, C1028S.
Identifiers: ClinVar variation 1495404 (VCV001495404.9), dbSNP rs63750157, ClinGen allele CA346760101.
Genomic context (GRCh38, chr2:47,804,943, plus strand): 5'-AAAGACCTTTTCCTCCCTCATTCACAGGCTGGCTTATTAGCTGTAATGGCCCAGATGGGT[T>A]GTTACGTCCCTGCTGAAGTGTGCAGGCTCACACCAATTGATAGAGTGTTTACTAGACTTG-3'
Protein context (NP_000170.1, residues 1148-1168): GLLAVMAQMG[Cys1158Ser]YVPAEVCRLT